The following is an entry in ClinVar:

ClinVar aggregate classification (germline): Uncertain significance (1 of 4 stars; one submission).

Allele frequency attached by ClinVar (database versions not stated): TOPMed below 0.00001.

Submission:

Labcorp Genetics (formerly Invitae), Labcorp
Classification: Uncertain significance. Last evaluated: 2024-01-24. Review status: criteria provided, single submitter. Criteria: Invitae Variant Classification Sherloc (09022015). Collection method: clinical testing. Allele origin: germline.
Comment: This sequence change replaces glutamic acid, which is acidic and polar, with aspartic acid, which is acidic and polar, at codon 2 of the ADAMTSL4 protein (p.Glu2Asp). This variant is not present in population databases (gnomAD no frequency). This variant has not been reported in the literature in individuals affected with ADAMTSL4-related conditions. ClinVar contains an entry for this variant (Variation ID: 2014217). Advanced modeling of protein sequence and biophysical properties (such as structural, functional, and spatial information, amino acid conservation, physicochemical variation, residue mobility, and thermodynamic stability) performed at Invitae indicates that this missense variant is not expected to disrupt ADAMTSL4 protein function with a negative predictive value of 80%. In summary, the available evidence is currently insufficient to determine the role of this variant in disease. Therefore, it has been classified as a Variant of Uncertain Significance.

NM_019032.6(ADAMTSL4):c.6G>T (p.Glu2Asp)

Genes: ADAMTSL4 (ADAMTS like 4; plus strand), ADAMTSL4-AS2 (ADAMTSL4 antisense RNA 2; minus strand). Cytogenetic location: 1q21.2.
Variant type: single nucleotide variant.
Coding change: c.6G>T on transcript NM_019032.6 (MANE Select); coding-DNA position 6, G replaced by T.
Protein change: p.Glu2Asp; replaces glutamic acid 2 with aspartic acid.
Molecular consequence: missense variant.
Genome position (GRCh38, 1-based): chr1:150,552,294, G>T. VCF-style: chr1-150552294-G-T. GRCh37 (hg19) VCF-style: chr1-150524770-G-T.
Other names: c.6G>T, p.Glu2Asp (NM_001288607.2, NM_001288608.2, NM_001378596.1 and 1 more transcripts); short protein forms E2D.
Identifiers: ClinVar variation 2014217 (VCV002014217.4), dbSNP rs1671492010, ClinGen allele CA342295278.